The following is an entry in ClinVar:

ClinVar aggregate classification (germline): Uncertain significance (1 of 4 stars; one submission).

Conditions:
Hereditary cancer-predisposing syndrome. Also called: Hereditary neoplastic syndrome; Neoplastic Syndromes, Hereditary; Tumor predisposition; Hereditary Cancer Syndrome. Identifiers: Orphanet 140162, MedGen C0027672, MeSH D009386, MONDO:0015356.

Submission:

Ambry Genetics
Classification: Uncertain significance for Hereditary cancer-predisposing syndrome. Last evaluated: 2025-08-12. Review status: criteria provided, single submitter. Criteria: Ambry Variant Classification Scheme 2023. Collection method: clinical testing. Allele origin: germline.
Comment: The p.I201N variant (also known as c.602T>A), located in coding exon 3 of the PDGFRA gene, results from a T to A substitution at nucleotide position 602. The isoleucine at codon 201 is replaced by asparagine, an amino acid with dissimilar properties. This amino acid position is conserved. In addition, this alteration is predicted to be tolerated by in silico analysis. Based on the available evidence, the clinical significance of this variant remains unclear.

NM_006206.6(PDGFRA):c.602T>A (p.Ile201Asn)

Gene: PDGFRA (platelet derived growth factor receptor alpha; plus strand). Cytogenetic location: 4q12.
Variant type: single nucleotide variant.
Coding change: c.602T>A on transcript NM_006206.6 (MANE Select); coding-DNA position 602, T replaced by A.
Protein change: p.Ile201Asn; replaces isoleucine 201 with asparagine.
Molecular consequence: missense variant.
Genome position (GRCh38, 1-based): chr4:54,263,901, T>A. VCF-style: chr4-54263901-T-A. GRCh37 (hg19) VCF-style: chr4-55130068-T-A.
Other names: c.602T>A, p.Ile201Asn (NM_001347827.2, NM_001347829.2); c.677T>A, p.Ile226Asn (NM_001347828.2); c.641T>A, p.Ile214Asn (NM_001347830.2); short protein forms I214N, I226N, I201N.
Identifiers: ClinVar variation 4133974 (VCV004133974.1).
Genomic context (GRCh38, chr4:54,263,901, plus strand): 5'-CCTTCACTGTAGGGCCCTATATCTGTGAGGCCACCGTCAAAGGAAAGAAGTTCCAGACCA[T>A]CCCATTTAATGTTTATGCTTTAAAAGGTACTTGTATCATCTCCTTCCTTCTTTAAATAAG-3'
Protein context (NP_006197.1, residues 191-211): ATVKGKKFQT[Ile201Asn]PFNVYALKAT